The following is an entry in ClinVar:

NM_182476.3(COQ6):c.879del (p.Asn294fs)

Genes: COQ6 (coenzyme Q6, monooxygenase; plus strand), ENTPD5 (ectonucleoside triphosphate diphosphohydrolase 5; minus strand). Cytogenetic location: 14q24.3.
Variant type: Deletion.
Coding change: c.879del on transcript NM_182476.3 (MANE Select); coding-DNA position 879, one base deleted (T; older notation c.879delT).
Protein change: p.Asn294fs; shifts the reading frame from asparagine 294.
Molecular consequence: frameshift variant. On other transcripts: 3 prime UTR variant (3), intron variant (4).
Genome position (GRCh38, 1-based): chr14:73,959,510, T deleted; the last of 2 consecutive T bases (chr14:73,959,509-73,959,510); deleting either gives the same sequence. VCF-style (leftmost placement, unchanged base first): chr14-73959508-GT-G. GRCh37 (hg19) VCF-style: chr14-74426211-GT-G.
Other names: c.879del, p.Asn294fs (NM_001425255.1); c.714del, p.Asn239fs (NM_001425257.1); c.654del, p.Asn219fs (NM_001425259.1, NM_001425260.1, NM_001425261.1); c.624del, p.Asn209fs (NM_001425262.1); c.552del, p.Asn185fs (NM_001425263.1); c.339del, p.Asn114fs (NM_001425264.1, NM_001425265.1); c.804del, p.Asn269fs (NM_182480.3); c.*21del (NM_001330189.2, NM_001382259.1, NM_001382260.1); and 4 more; short protein forms N269fs, N294fs, N114fs, N185fs, N209fs, N219fs, N239fs.
Identifiers: ClinVar variation 1458410 (VCV001458410.8), dbSNP rs2140404882, ClinGen allele CA2573150139.

ClinVar aggregate classification (germline): Pathogenic (1 of 4 stars; one submission).

Submission:

Labcorp Genetics (formerly Invitae), Labcorp
Classification: Pathogenic. Last evaluated: 2025-06-12. Review status: criteria provided, single submitter. Criteria: Invitae Variant Classification Sherloc (09022015). Collection method: clinical testing. Allele origin: germline.
Comment: This sequence change creates a premature translational stop signal (p.Asn294Thrfs*28) in the COQ6 gene. It is expected to result in an absent or disrupted protein product. Loss-of-function variants in COQ6 are known to be pathogenic (PMID: 21540551, 24140869). This variant is not present in population databases (gnomAD no frequency). This variant has not been reported in the literature in individuals affected with COQ6-related conditions. ClinVar contains an entry for this variant (Variation ID: 1458410). Algorithms developed to predict the effect of sequence changes on RNA splicing suggest that this variant may disrupt the consensus splice site. For these reasons, this variant has been classified as Pathogenic.

Literature cited by the submitters: PubMed 21540551; PubMed 24140869.